The following is an entry in ClinVar:

NM_000090.4(COL3A1):c.1257C>G (p.Ala419=)

Gene: COL3A1 (collagen type III alpha 1 chain; plus strand). Cytogenetic location: 2q32.2.
Variant type: single nucleotide variant.
Coding change: c.1257C>G on transcript NM_000090.4 (MANE Select); coding-DNA position 1257, C replaced by G.
Protein change: p.Ala419=; no amino-acid change (alanine 419 retained).
Molecular consequence: synonymous variant.
Genome position (GRCh38, 1-based): chr2:188,994,296, C>G. VCF-style: chr2-188994296-C-G. GRCh37 (hg19) VCF-style: chr2-189859022-C-G.
Identifiers: ClinVar variation 2738774 (VCV002738774.5), dbSNP rs41272837, ClinGen allele CA430309484.

ClinVar aggregate classification (germline): Likely benign. Review status: criteria provided, multiple submitters, no conflicts (2 of 4 stars). 3 submissions from 3 submitters: Likely benign (3). Last evaluated 2026-08-19.

Conditions:
Familial thoracic aortic aneurysm and aortic dissection (TAAD). Also called: Thoracic aortic aneurysms and dissections. Identifiers: Orphanet 91387, MedGen C4707243, MONDO:0019625.
Ehlers-Danlos syndrome, type 4 (EDSVASC). Also called: Ehlers-Danlos Syndrome Type IV; Ehlers-Danlos syndrome vascular type; Ehlers Danlos syndrome, ecchymotic type; Ehlers Danlos syndrome, arterial type; Ehlers Danlos syndrome, Sack-Barabas type. Identifiers: Orphanet 286, MedGen C0268338, MONDO:0017314, OMIM 130050.

gnomAD v4.1: 2 of 1,613,710 alleles (0.00012%); highest among the groups gnomAD compares: Admixed American, 0.0017%; no homozygotes.

Submissions (3):

Ambry Genetics
Classification: Likely benign for Familial thoracic aortic aneurysm and aortic dissection. Last evaluated: 2026-08-19. Review status: criteria provided, single submitter. Criteria: Ambry Variant Classification Scheme 2023. Collection method: clinical testing. Allele origin: germline.

Labcorp Genetics (formerly Invitae), Labcorp
Classification: Likely benign for Ehlers-Danlos syndrome, type 4. Last evaluated: 2024-03-16. Review status: criteria provided, single submitter. Criteria: Invitae Variant Classification Sherloc (09022015). Collection method: clinical testing. Allele origin: germline.

All of Us Research Program, National Institutes of Health
Classification: Likely benign for Ehlers-Danlos syndrome, type 4. Last evaluated: 2023-10-02. Review status: criteria provided, single submitter. Criteria: ACMG Guidelines, 2015. Collection method: clinical testing. Allele origin: germline. Inheritance: Autosomal dominant inheritance. Observed: 1 variant allele, 1 heterozygote.
Comment: This study involves interpretation of variants in research participants for the purpose of population health screening. Participant phenotype was not available at the time of variant classification. Additional details can be found in publication PMID: 35346344, PMCID: PMC8962531